The following is an entry in ClinVar:

ClinVar aggregate classification (germline): Likely pathogenic (1 of 4 stars; one submission).

Conditions:
Spermatogenic Failure. Identifiers: MedGen C3553794, MONDO:0004983.

Submission:

Conrad Lab, Oregon Health and Science University
Classification: Likely pathogenic for Spermatogenic Failure. Last evaluated: 2026-09-29. Review status: criteria provided, single submitter. Criteria: ACMG Guidelines, 2015. Collection method: research. Allele origin: germline. Affected: yes. Observed: 1 variant allele. Study: GEMINI.
Comment: Bmp8b knockout mice show impaired initiation and maintenance of spermatogenesis (Zhao et al., Genes & Development, 1996;10:1657-1669), providing biological support for the submitted Likely pathogenic interpretation. Human gene-disease evidence is limited. The supplied validation notes do not resolve the deletion junctions or establish a single contiguous deletion across the entire submitted interval; the manuscript describes a smaller single-exon event. The interval in this submission reflects the submitter-provided coordinates.

Single allele

Genes: BMP8A (bone morphogenetic protein 8a; plus strand), BMP8B (bone morphogenetic protein 8b; minus strand), BMP8B-AS1 (BMP8B antisense RNA 1; plus strand), HEYL (hes related family bHLH transcription factor with YRPW motif like; minus strand), HPCAL4 (hippocalcin like 4; minus strand) and 26 more. Cytogenetic location: 1p34.3-34.2.
Variant type: Deletion.
Identifiers: ClinVar variation 5021152 (VCV005021152.1).